The following is an entry in ClinVar:

NC_000023.10:g.(?_31222058)_(31241258_?)dup

Gene: DMD (dystrophin; minus strand). Cytogenetic location: Xp21.2.
Variant type: Duplication.
Identifiers: ClinVar variation 3243349 (VCV003243349.1).

ClinVar aggregate classification (germline): Pathogenic (1 of 4 stars; one submission).

Conditions:
Duchenne muscular dystrophy (DMD). Also called: MUSCULAR DYSTROPHY, PSEUDOHYPERTROPHIC PROGRESSIVE, DUCHENNE TYPE; Duchenne Muscular Dystrophy (DMD). Identifiers: Orphanet 98896, MedGen C0013264, MONDO:0010679, OMIM 310200.

Submission:

Labcorp Genetics (formerly Invitae), Labcorp
Classification: Pathogenic for Duchenne muscular dystrophy. Last evaluated: 2023-05-23. Review status: criteria provided, single submitter. Criteria: Invitae Variant Classification Sherloc (09022015). Collection method: clinical testing. Allele origin: unknown.
Comment: For these reasons, this variant has been classified as Pathogenic. This variant results in a copy number gain of the genomic region encompassing exon(s) 64-67 of the DMD gene. While the exact position of this variant cannot be determined from the data, sub-genic copy number gains are generally in tandem (PMID: 25640679). This variant is predicted to be out-of-frame, and may result in an absent or disrupted protein product. Loss-of-function variants in DMD are known to be pathogenic (PMID: 16770791, 25007885).

Literature cited by the submitters: PubMed 17253928; PubMed 17561468; PubMed 17854090; PubMed 25640679; PubMed 16770791; PubMed 25007885.